The following is an entry in ClinVar:

NM_015629.4(PRPF31):c.1374+559T>C

Gene: PRPF31 (pre-mRNA processing factor 31; plus strand). Cytogenetic location: 19q13.42.
Variant type: single nucleotide variant.
Coding change: c.1374+559T>C on transcript NM_015629.4 (MANE Select); 559 bases into the intron after coding-DNA position 1374, T replaced by C.
Molecular consequence: intron variant.
Genome position (GRCh38, 1-based): chr19:54,129,929, T>C. VCF-style: chr19-54129929-T-C. GRCh37 (hg19) VCF-style: chr19-54633304-T-C.
Identifiers: ClinVar variation 4985280 (VCV004985280.1).
Genomic context (GRCh38, chr19:54,129,929, plus strand): 5'-CGGAGGCGAGACAGCAGCGAGCTCATCTGCCCAGTCAGCGGGTGTCTACGCAGCACCTGC[T>C]GAGTTCTGTCAGTGTTCCCGGCTCTGGGGATGAAGCAACGAATGAGAGACAAGTCTTACC-3'

ClinVar aggregate classification (germline): Likely benign (1 of 4 stars; one submission).

Conditions:
PRPF31-related disorder. Also called: PRPF31-related condition.

gnomAD v4.1: 1 of 152,102 alleles (0.00066%); highest among the groups gnomAD compares: Admixed American, 0.0065%; no homozygotes.

Submission:

PreventionGenetics, part of Exact Sciences
Classification: Likely benign for PRPF31-related condition. Last evaluated: 2025-02-11. Review status: criteria provided, single submitter. Criteria: ACMG Guidelines, 2015. Collection method: clinical testing. Allele origin: germline.
Comment: This variant is classified as likely benign based on ACMG/AMP sequence variant interpretation guidelines (Richards et al. 2015 PMID: 25741868, with internal and published modifications).